The following is an entry in ClinVar:

NM_014413.4(EIF2AK1):c.1202G>A (p.Arg401Gln)

Gene: EIF2AK1 (eukaryotic translation initiation factor 2 alpha kinase 1; minus strand). Cytogenetic location: 7p22.1.
Variant type: single nucleotide variant.
Coding change: c.1202G>A on transcript NM_014413.4 (MANE Select); coding-DNA position 1202, G replaced by A.
Protein change: p.Arg401Gln; replaces arginine 401 with glutamine.
Molecular consequence: missense variant.
Genome position (GRCh38, 1-based): chr7:6,038,589, C>T on the plus strand (G>A on the coding strand, the complement: EIF2AK1 is on the minus strand). VCF-style: chr7-6038589-C-T. GRCh37 (hg19) VCF-style: chr7-6078220-C-T.
Other names: c.1202G>A (NM_014413.3); c.1199G>A, p.Arg400Gln (NM_001134335.2); short protein forms R400Q, R401Q.
Identifiers: ClinVar variation 2193193 (VCV002193193.5), dbSNP rs777179285, ClinGen allele CA4150922.
Genomic context (GRCh38, chr7:6,038,589, plus strand): 5'-TCCCGGCCCGGCAGACCCAGATGGTACTCACAGGCAGACTCGTCCACATACTCCCGGCCC[C>T]GCTTGTTTCTCTCGACTATCCAATCCCACAGCGAGAGCTCACACAGCTGCATCTGGATGT-3'
Protein context (NP_055228.2, residues 391-411): LWDWIVERNK[Arg401Gln]GREYVDESAC

ClinVar aggregate classification (germline): Uncertain significance. Review status: criteria provided, multiple submitters, no conflicts (2 of 4 stars). 2 submissions from 2 submitters: Uncertain significance (2). Last evaluated 2024-02-05.

Allele frequency attached by ClinVar (database versions not stated): gnomAD 0.00001; gnomAD exomes 0.00002; ExAC 0.00003; TOPMed 0.00003.
gnomAD v4.1: 31 of 1,612,904 alleles (0.0019%); highest among the groups gnomAD compares: East Asian, 0.0067%; no homozygotes.

Submissions (2):

Ambry Genetics
Classification: Uncertain significance. Last evaluated: 2024-02-05. Review status: criteria provided, single submitter. Criteria: Ambry Variant Classification Scheme 2023. Collection method: clinical testing. Allele origin: germline.

Labcorp Genetics (formerly Invitae), Labcorp
Classification: Uncertain significance. Last evaluated: 2022-09-23. Review status: criteria provided, single submitter. Criteria: Invitae Variant Classification Sherloc (09022015). Collection method: clinical testing. Allele origin: germline.
Comment: In summary, the available evidence is currently insufficient to determine the role of this variant in disease. Therefore, it has been classified as a Variant of Uncertain Significance. Algorithms developed to predict the effect of missense changes on protein structure and function output the following: SIFT: "Tolerated"; PolyPhen-2: "Benign"; Align-GVGD: "Class C0". The glutamine amino acid residue is found in multiple mammalian species, which suggests that this missense change does not adversely affect protein function. This variant has not been reported in the literature in individuals affected with EIF2AK1-related conditions. This variant is present in population databases (rs777179285, gnomAD 0.007%). This sequence change replaces arginine, which is basic and polar, with glutamine, which is neutral and polar, at codon 401 of the EIF2AK1 protein (p.Arg401Gln).